The following is an entry in ClinVar:

ClinVar aggregate classification (germline): Pathogenic (1 of 4 stars; one submission).

Submission:

Labcorp Genetics (formerly Invitae), Labcorp
Classification: Pathogenic. Last evaluated: 2020-04-08. Review status: criteria provided, single submitter. Criteria: Invitae Variant Classification Sherloc (09022015). Collection method: clinical testing. Allele origin: germline.
Comment: For these reasons, this variant has been classified as Pathogenic. This variant disrupts the p.Cys140 amino acid residue in LMX1B. Other variant(s) that disrupt this residue have been observed in individuals with LMX1B-related conditions (PMID: 11668639, 20531206), which suggests that this may be a clinically significant amino acid residue. Algorithms developed to predict the effect of missense changes on protein structure and function are either unavailable or do not agree on the potential impact of this missense change (SIFT: "Deleterious"; PolyPhen-2: "Probably Damaging"; Align-GVGD: "Class C0"). This variant has been observed in individual(s) with nail-patella syndrome (Invitae). In at least one individual the variant was observed to be de novo. This variant is not present in population databases (ExAC no frequency). This sequence change replaces cysteine with phenylalanine at codon 140 of the LMX1B protein (p.Cys140Phe). The cysteine residue is highly conserved and there is a large physicochemical difference between cysteine and phenylalanine.

Literature cited by the submitters: PubMed 11668639; PubMed 20531206.

NM_001174147.2(LMX1B):c.419G>T (p.Cys140Phe)

Gene: LMX1B (LIM homeobox transcription factor 1 beta; plus strand). Cytogenetic location: 9q33.3.
Variant type: single nucleotide variant.
Coding change: c.419G>T on transcript NM_001174147.2 (MANE Select); coding-DNA position 419, G replaced by T.
Protein change: p.Cys140Phe; replaces cysteine 140 with phenylalanine.
Molecular consequence: missense variant.
Genome position (GRCh38, 1-based): chr9:126,690,928, G>T. VCF-style: chr9-126690928-G-T. GRCh37 (hg19) VCF-style: chr9-129453207-G-T.
Other names: c.419G>T, p.Cys140Phe (NM_001174146.2, NM_002316.4); short protein forms C140F.
Identifiers: ClinVar variation 1072036 (VCV001072036.9), dbSNP rs2118986952, ClinGen allele CA374912378.